The following is an entry in ClinVar:

ClinVar aggregate classification (germline): Uncertain significance. Review status: criteria provided, multiple submitters, no conflicts (2 of 4 stars). 2 submissions from 2 submitters: Uncertain significance (2). Last evaluated 2024-11-24.

Conditions:
Hajdu-Cheney syndrome (HJCYS). Also called: SERPENTINE FIBULA-POLYCYSTIC KIDNEY SYNDROME; Acroosteolysis dominant type; ACROOSTEOLYSIS WITH OSTEOPOROSIS AND CHANGES IN SKULL AND MANDIBLE. Identifiers: Orphanet 955, MedGen C0917715, MONDO:0007057, OMIM 102500.
Inborn genetic diseases. Identifiers: MedGen C0950123, MeSH D030342.

Allele frequency attached by ClinVar (database versions not stated): gnomAD 0.00001; TOPMed 0.00002.
gnomAD v4.1: 15 of 1,597,004 alleles (0.00094%); highest among the groups gnomAD compares: South Asian, 0.0056%; no homozygotes.

Submissions (2):

Ambry Genetics
Classification: Uncertain significance for Inborn genetic diseases. Last evaluated: 2024-11-24. Review status: criteria provided, single submitter. Criteria: Ambry Variant Classification Scheme 2023. Collection method: clinical testing. Allele origin: germline.

Labcorp Genetics (formerly Invitae), Labcorp
Classification: Uncertain significance for Hajdu-Cheney syndrome. Last evaluated: 2023-03-26. Review status: criteria provided, single submitter. Criteria: Invitae Variant Classification Sherloc (09022015). Collection method: clinical testing. Allele origin: germline.
Comment: In summary, the available evidence is currently insufficient to determine the role of this variant in disease. Therefore, it has been classified as a Variant of Uncertain Significance. An algorithm developed to predict the effect of missense changes on protein structure and function (PolyPhen-2) suggests that this variant is likely to be disruptive. ClinVar contains an entry for this variant (Variation ID: 2183616). This variant has not been reported in the literature in individuals affected with NOTCH2-related conditions. The frequency data for this variant in the population databases is considered unreliable, as metrics indicate poor data quality at this position in the gnomAD database. This sequence change replaces proline, which is neutral and non-polar, with leucine, which is neutral and non-polar, at codon 1335 of the NOTCH2 protein (p.Pro1335Leu).

NM_024408.4(NOTCH2):c.4004C>T (p.Pro1335Leu)

Gene: NOTCH2 (notch receptor 2; minus strand). Cytogenetic location: 1p12.
Variant type: single nucleotide variant.
Coding change: c.4004C>T on transcript NM_024408.4 (MANE Select); coding-DNA position 4004, C replaced by T.
Protein change: p.Pro1335Leu; replaces proline 1335 with leucine.
Molecular consequence: missense variant.
Genome position (GRCh38, 1-based): chr1:119,926,500, G>A on the plus strand (C>T on the coding strand, the complement: NOTCH2 is on the minus strand). VCF-style: chr1-119926500-G-A. GRCh37 (hg19) VCF-style: chr1-120469123-G-A.
Other names: c.4004C>T (NM_024408.3); short protein forms P1335L.
Identifiers: ClinVar variation 2183616 (VCV002183616.5), dbSNP rs746314617, ClinGen allele CA30319555.